The following is an entry in ClinVar:

ClinVar aggregate classification (germline): Conflicting classifications of pathogenicity. Review status: criteria provided, conflicting classifications (1 of 4 stars). 2 submissions from 2 submitters: Uncertain significance (1); Likely benign (1). Last evaluated 2025-01-01.

Conditions:
Hereditary breast ovarian cancer syndrome. Also called: Hereditary breast and ovarian cancer; Breast and ovarian cancer; Hereditary breast and ovarian cancer syndrome; BRCA1- and BRCA2-Associated Hereditary Breast and Ovarian Cancer; Hereditary breast and/or ovarian cancer syndrome; Hereditary breast and ovarian cancer syndrome (HBOC). Identifiers: Orphanet 145, MedGen C0677776, MeSH D061325, MONDO:0003582. Disease mechanism: loss of function.
Hereditary cancer-predisposing syndrome. Also called: Tumor predisposition; Hereditary neoplastic syndrome; Hereditary Cancer Syndrome; Neoplastic Syndromes, Hereditary. Identifiers: Orphanet 140162, MedGen C0027672, MeSH D009386, MONDO:0015356.

Allele frequency attached by ClinVar (database versions not stated): ExAC 0.00001; gnomAD exomes 0.00002; TOPMed 0.00004; gnomAD 0.00005 and 0.00009; ESP Exome Variant Server 0.00008.
gnomAD v4.1: 13 of 1,613,746 alleles (0.00081%); highest among the groups gnomAD compares: African/African-American, 0.015%; no homozygotes.

Submissions (2):

Labcorp Genetics (formerly Invitae), Labcorp
Classification: Uncertain significance for Hereditary breast ovarian cancer syndrome. Last evaluated: 2025-01-01. Review status: criteria provided, single submitter. Criteria: Invitae Variant Classification Sherloc (09022015). Collection method: clinical testing. Allele origin: germline.
Comment: This sequence change falls in intron 15 of the BRCA1 gene. It does not directly change the encoded amino acid sequence of the BRCA1 protein. This variant is present in population databases (rs5031012, gnomAD 0.02%). This variant has not been reported in the literature in individuals affected with BRCA1-related conditions. ClinVar contains an entry for this variant (Variation ID: 578343). Studies have shown that this variant is associated with inconclusive levels of altered splicing (internal data). In summary, the available evidence is currently insufficient to determine the role of this variant in disease. Therefore, it has been classified as a Variant of Uncertain Significance.

Color Diagnostics, LLC DBA Color Health
Classification: Likely benign for Hereditary cancer-predisposing syndrome. Last evaluated: 2016-06-22. Review status: criteria provided, single submitter. Criteria: ACMG Guidelines, 2015. Collection method: clinical testing. Allele origin: germline.

NM_007294.4(BRCA1):c.4986+13A>G

Gene: BRCA1 (BRCA1 DNA repair associated; minus strand). Cytogenetic location: 17q21.31.
Variant type: single nucleotide variant.
Coding change: c.4986+13A>G on transcript NM_007294.4 (MANE Select); 13 bases into the intron after coding-DNA position 4986, A replaced by G.
Molecular consequence: intron variant.
Genome position (GRCh38, 1-based): chr17:43,070,915, T>C on the plus strand (A>G on the coding strand, the complement: BRCA1 is on the minus strand). VCF-style: chr17-43070915-T-C. GRCh37 (hg19) VCF-style: chr17-41222932-T-C.
Other names: c.1533+13A>G (NM_001408458.1, NM_001408461.1, NM_001408464.1 and 7 more transcripts); c.4095+13A>G (NM_001407967.1); c.4605+13A>G (NM_001407959.1); c.4719+13A>G (NM_001407931.1, NM_001407932.1, NM_001407928.1 and 4 more transcripts); c.4842+13A>G (NM_001407747.1, NM_001407745.1, NM_001407737.1 and 21 more transcripts); c.4602+13A>G (NM_001407962.1, NM_001407960.1); c.1173+13A>G (NM_001408512.1); c.1296+13A>G (NM_001408510.1); and 71 more.
Identifiers: ClinVar variation 578343 (VCV000578343.12), dbSNP rs5031012, ClinGen allele CA053528.